The following is an entry in ClinVar:

NM_000053.4(ATP7B):c.1544-53A>C

Gene: ATP7B (ATPase copper transporting beta; minus strand). Cytogenetic location: 13q14.3.
Variant type: single nucleotide variant.
Coding change: c.1544-53A>C on transcript NM_000053.4 (MANE Select); 53 bases into the intron before coding-DNA position 1544, A replaced by C.
Molecular consequence: intron variant.
Genome position (GRCh38, 1-based): chr13:51,968,660, T>G on the plus strand (A>C on the coding strand, the complement: ATP7B is on the minus strand). VCF-style: chr13-51968660-T-G. GRCh37 (hg19) VCF-style: chr13-52542796-T-G.
Other names: c.1211-53A>C (NM_001243182.2); c.1544-53A>C (NM_001005918.3, NM_001330579.2, NM_001330578.2).
Identifiers: ClinVar variation 676098 (VCV000676098.14), dbSNP rs2147363, ClinGen allele CA13789271.
Genomic context (GRCh38, chr13:51,968,660, plus strand): 5'-GAGAACACCTGGAACCATCAGGTCATGGCTGTAACACTCTGGGTGGGCAGGGCCTCTAGG[T>G]TGACACAGTCAATATAACCGAACAAAGAAACACATCTTCCCAGAATCCTCTAGAACAGCA-3'

ClinVar aggregate classification (germline): Benign. Review status: criteria provided, multiple submitters, no conflicts (2 of 4 stars). 4 submissions from 4 submitters: Benign (4). Last evaluated 2026-01-19.

Conditions:
Wilson disease (WND). Also called: Wilson's disease. Identifiers: Orphanet 905, MedGen C0019202, MONDO:0010200, OMIM 277900. Disease mechanism: loss of function.

Allele frequency attached by ClinVar (database versions not stated): TOPMed 0.68723; gnomAD exomes 0.69404; 1000 Genomes Project 0.61182; 1000 Genomes Project 30x 0.62383; gnomAD 0.69725.
gnomAD v4.1: 1,108,628 of 1,598,864 alleles (69%); highest among the groups gnomAD compares: Non-Finnish European, 72%; 387,838 homozygotes.

Submissions (4):

Labcorp Genetics (formerly Invitae), Labcorp
Classification: Benign for Wilson disease. Last evaluated: 2026-01-19. Review status: criteria provided, single submitter. Criteria: Invitae Variant Classification Sherloc (09022015). Collection method: clinical testing. Allele origin: germline.

Genome-Nilou Lab
Classification: Benign for Wilson disease. Last evaluated: 2021-07-01. Review status: criteria provided, single submitter. Criteria: ACMG Guidelines, 2015. Collection method: clinical testing. Allele origin: germline. Affected: no.

GeneDx
Classification: Benign. Last evaluated: 2018-06-14. Review status: criteria provided, single submitter. Criteria: GeneDx Variant Classification (06012015). Collection method: clinical testing. Allele origin: germline. Affected: yes.
Comment: This variant is considered likely benign or benign based on one or more of the following criteria: it is a conservative change, it occurs at a poorly conserved position in the protein, it is predicted to be benign by multiple in silico algorithms, and/or has population frequency not consistent with disease.

Breakthrough Genomics
Classification: Benign. Review status: criteria provided, single submitter. Criteria: ACMG Guidelines, 2015. Collection method: not provided. Allele origin: germline. Inheritance: Autosomal recessive inheritance. Affected: yes.